The following is an entry in ClinVar:

NM_001252024.2(TRPM1):c.2299A>G (p.Lys767Glu)

Gene: TRPM1 (transient receptor potential cation channel subfamily M member 1; minus strand). Cytogenetic location: 15q13.3.
Variant type: single nucleotide variant.
Coding change: c.2299A>G on transcript NM_001252024.2 (MANE Select); coding-DNA position 2299, A replaced by G.
Protein change: p.Lys767Glu; replaces lysine 767 with glutamic acid.
Molecular consequence: missense variant.
Genome position (GRCh38, 1-based): chr15:31,040,135, T>C on the plus strand (A>G on the coding strand, the complement: TRPM1 is on the minus strand). VCF-style: chr15-31040135-T-C. GRCh37 (hg19) VCF-style: chr15-31332338-T-C.
Other names: c.2350A>G, p.Lys784Glu (NM_001252020.2); c.2233A>G, p.Lys745Glu (NM_002420.6); short protein forms K767E, K784E, K745E.
Identifiers: ClinVar variation 1936789 (VCV001936789.5), dbSNP rs2504108674, ClinGen allele CA391509418.

ClinVar aggregate classification (germline): Uncertain significance (1 of 4 stars; one submission).

Submission:

Labcorp Genetics (formerly Invitae), Labcorp
Classification: Uncertain significance. Last evaluated: 2022-10-17. Review status: criteria provided, single submitter. Criteria: Invitae Variant Classification Sherloc (09022015). Collection method: clinical testing. Allele origin: germline.
Comment: In summary, the available evidence is currently insufficient to determine the role of this variant in disease. Therefore, it has been classified as a Variant of Uncertain Significance. Advanced modeling of protein sequence and biophysical properties (such as structural, functional, and spatial information, amino acid conservation, physicochemical variation, residue mobility, and thermodynamic stability) has been performed at Invitae for this missense variant, however the output from this modeling did not meet the statistical confidence thresholds required to predict the impact of this variant on TRPM1 protein function. This variant has not been reported in the literature in individuals affected with TRPM1-related conditions. This variant is not present in population databases (gnomAD no frequency). This sequence change replaces lysine, which is basic and polar, with glutamic acid, which is acidic and polar, at codon 745 of the TRPM1 protein (p.Lys745Glu).